The following is an entry in ClinVar:

ClinVar aggregate classification (germline): Uncertain significance (1 of 4 stars; one submission).

Allele frequency attached by ClinVar (database versions not stated): gnomAD exomes below 0.00001; TOPMed below 0.00001; gnomAD 0.00001.
gnomAD v4.1: 7 of 1,613,832 alleles (0.00043%); highest among the groups gnomAD compares: East Asian, 0.0022%; no homozygotes.

Submission:

Labcorp Genetics (formerly Invitae), Labcorp
Classification: Uncertain significance. Last evaluated: 2022-09-01. Review status: criteria provided, single submitter. Criteria: Invitae Variant Classification Sherloc (09022015). Collection method: clinical testing. Allele origin: germline.
Comment: In summary, the available evidence is currently insufficient to determine the role of this variant in disease. Therefore, it has been classified as a Variant of Uncertain Significance. Algorithms developed to predict the effect of missense changes on protein structure and function (SIFT, PolyPhen-2, Align-GVGD) all suggest that this variant is likely to be disruptive. ClinVar contains an entry for this variant (Variation ID: 1351387). This variant has not been reported in the literature in individuals affected with RIMS1-related conditions. This variant is not present in population databases (gnomAD no frequency). This sequence change replaces glycine, which is neutral and non-polar, with glutamic acid, which is acidic and polar, at codon 181 of the RIMS1 protein (p.Gly181Glu).

NM_014989.7(RIMS1):c.542G>A (p.Gly181Glu)

Gene: RIMS1 (regulating synaptic membrane exocytosis 1; plus strand). Cytogenetic location: 6q13.
Variant type: single nucleotide variant.
Coding change: c.542G>A on transcript NM_014989.7 (MANE Select); coding-DNA position 542, G replaced by A.
Protein change: p.Gly181Glu; replaces glycine 181 with glutamic acid.
Molecular consequence: missense variant.
Genome position (GRCh38, 1-based): chr6:72,179,645, G>A. VCF-style: chr6-72179645-G-A. GRCh37 (hg19) VCF-style: chr6-72889348-G-A.
Other names: short protein forms G181E.
Identifiers: ClinVar variation 1351387 (VCV001351387.8), dbSNP rs1262321010, ClinGen allele CA364818375.